The following is an entry in ClinVar:

NM_003119.4(SPG7):c.931G>A (p.Val311Met)

Gene: SPG7 (SPG7 matrix AAA peptidase subunit, paraplegin; plus strand). Cytogenetic location: 16q24.3.
Variant type: single nucleotide variant.
Coding change: c.931G>A on transcript NM_003119.4 (MANE Select); coding-DNA position 931, G replaced by A.
Protein change: p.Val311Met; replaces valine 311 with methionine.
Molecular consequence: missense variant.
Genome position (GRCh38, 1-based): chr16:89,530,752, G>A. VCF-style: chr16-89530752-G-A. GRCh37 (hg19) VCF-style: chr16-89597160-G-A.
Other names: c.931G>A, p.Val311Met (NM_001363850.1, NM_199367.3); short protein forms V311M.
Identifiers: ClinVar variation 1933800 (VCV001933800.3), dbSNP rs150109507, ClinGen allele CA8243849.

ClinVar aggregate classification (germline): Uncertain significance. Review status: criteria provided, multiple submitters, no conflicts (2 of 4 stars). 2 submissions from 2 submitters: Uncertain significance (2). Last evaluated 2023-11-13.

Conditions:
Hereditary spastic paraplegia 7 (SPG7). Also called: SPG7-related neurologic disorder; SPASTIC PARAPLEGIA 7, AUTOSOMAL RECESSIVE, WITH OR WITHOUT CEREBELLAR ATAXIA; Autosomal recessive spastic paraplegia type 7; Spastic paraplegia 7; Hereditary spastic paraplegia Paraplegin type. Identifiers: Orphanet 99013, MedGen C1846564, MONDO:0011803, OMIM 607259.

Allele frequency attached by ClinVar (database versions not stated): gnomAD exomes below 0.00001; ExAC 0.00001; gnomAD 0.00001; TOPMed 0.00001; ESP Exome Variant Server 0.00008.
gnomAD v4.1: 5 of 1,614,056 alleles (0.00031%); highest among the groups gnomAD compares: East Asian, 0.0022%; no homozygotes.

Submissions (2):

Blueprint Genetics
Classification: Uncertain significance. Last evaluated: 2023-11-13. Review status: criteria provided, single submitter. Criteria: ACMG Guidelines, 2015. Collection method: clinical testing. Allele origin: germline.

Labcorp Genetics (formerly Invitae), Labcorp
Classification: Uncertain significance for Hereditary spastic paraplegia 7. Last evaluated: 2022-04-03. Review status: criteria provided, single submitter. Criteria: Invitae Variant Classification Sherloc (09022015). Collection method: clinical testing. Allele origin: germline.
Comment: This sequence change replaces valine, which is neutral and non-polar, with methionine, which is neutral and non-polar, at codon 311 of the SPG7 protein (p.Val311Met). This variant is present in population databases (rs150109507, gnomAD 0.0009%). This variant has not been reported in the literature in individuals affected with SPG7-related conditions. Advanced modeling of protein sequence and biophysical properties (such as structural, functional, and spatial information, amino acid conservation, physicochemical variation, residue mobility, and thermodynamic stability) performed at Invitae indicates that this missense variant is expected to disrupt SPG7 protein function. In summary, the available evidence is currently insufficient to determine the role of this variant in disease. Therefore, it has been classified as a Variant of Uncertain Significance.